The following is an entry in ClinVar:

ClinVar aggregate classification (germline): Uncertain significance. Review status: criteria provided, multiple submitters, no conflicts (2 of 4 stars). 2 submissions from 2 submitters: Uncertain significance (2). Last evaluated 2026-08-24.

Conditions:
IFT80-related disorder. Also called: IFT80-related condition.
Inborn genetic diseases. Identifiers: MedGen C0950123, MeSH D030342.

gnomAD v4.1: 1 of 1,611,674 alleles (0.000062%); highest among the groups gnomAD compares: Non-Finnish European, 0.000085%; no homozygotes.

Submissions (2):

PreventionGenetics, part of Exact Sciences
Classification: Uncertain significance for IFT80-related condition. Last evaluated: 2026-08-24. Review status: criteria provided, single submitter. Criteria: ACMG Guidelines, 2015. Collection method: clinical testing. Allele origin: germline.
Comment: The IFT80 c.1975G>A variant is predicted to result in the amino acid substitution p.Glu659Lys. To our knowledge, this variant has not been reported in the literature or in a large population database (gnomAD), indicating this variant is rare. At this time, the clinical significance of this variant is uncertain due to the absence of conclusive functional and genetic evidence.

Ambry Genetics
Classification: Uncertain significance for Inborn genetic diseases. Last evaluated: 2025-02-14. Review status: criteria provided, single submitter. Criteria: Ambry Variant Classification Scheme 2023. Collection method: clinical testing. Allele origin: germline.

NM_020800.3(IFT80):c.1975G>A (p.Glu659Lys)

Genes: IFT80 (intraflagellar transport 80; minus strand), TRIM59-IFT80 (TRIM59-IFT80 readthrough (NMD candidate); minus strand). Cytogenetic location: 3q25.33.
Variant type: single nucleotide variant.
Coding change: c.1975G>A on transcript NM_020800.3 (MANE Select); coding-DNA position 1975, G replaced by A.
Protein change: p.Glu659Lys; replaces glutamic acid 659 with lysine.
Molecular consequence: missense variant. On other transcripts: non-coding transcript variant (3).
Genome position (GRCh38, 1-based): chr3:160,277,430, C>T on the plus strand (G>A on the coding strand, the complement: IFT80 is on the minus strand). VCF-style: chr3-160277430-C-T. GRCh37 (hg19) VCF-style: chr3-159995218-C-T.
Other names: c.1564G>A, p.Glu522Lys (NM_001190241.2, NM_001190242.2); short protein forms E522K, E659K.
Identifiers: ClinVar variation 3859676 (VCV003859676.2).